The following is an entry in ClinVar:

NM_015272.5(RPGRIP1L):c.2925A>G (p.Val975=)

Gene: RPGRIP1L (RPGRIP1 like; minus strand). Cytogenetic location: 16q12.2.
Variant type: single nucleotide variant.
Coding change: c.2925A>G on transcript NM_015272.5 (MANE Select); coding-DNA position 2925, A replaced by G.
Protein change: p.Val975=; no amino-acid change (valine 975 retained).
Molecular consequence: synonymous variant.
Genome position (GRCh38, 1-based): chr16:53,641,066, T>C on the plus strand (A>G on the coding strand, the complement: RPGRIP1L is on the minus strand). VCF-style: chr16-53641066-T-C. GRCh37 (hg19) VCF-style: chr16-53674978-T-C.
Other names: p.Val975=; c.2925A>G, p.Val975= (NM_001127897.4, NM_001308334.3, NM_001330538.2); c.2925A>G (NM_015272.4).
Identifiers: ClinVar variation 95691 (VCV000095691.59), dbSNP rs144313291, ClinGen allele CA148755.

ClinVar aggregate classification (germline): Conflicting classifications of pathogenicity. Review status: criteria provided, conflicting classifications (1 of 4 stars). 12 submissions from 10 submitters: Uncertain significance (1); Benign (5); Likely benign (4). 2 of the submissions do not count toward it. Last evaluated 2026-04-01.

Conditions:
RPGRIP1L-related disorder. Also called: RPGRIP1L-related condition; RPGRIP1L-related disorders. Identifiers: MedGen CN239416.
Meckel-Gruber syndrome. Also called: DYSENCEPHALIA SPLANCHNOCYSTICA; GRUBER SYNDROME; Dysencephalia splachnocystica. Identifiers: Orphanet 564, MedGen C0265215, MONDO:0018921.
Joubert syndrome. Also called: JOUBERT-BOLTSHAUSER SYNDROME; Familial aplasia of the vermis. Identifiers: Orphanet 475, MedGen C5979921, MONDO:0018772.
Nephronophthisis 8. Identifiers: MedGen CN119610.
Meckel syndrome, type 5 (MKS5). Identifiers: Orphanet 564, MedGen C1969052, MONDO:0012695, OMIM 611561.
Joubert syndrome 7 (JBTS7). Identifiers: Orphanet 220497, MedGen C1969053, MONDO:0012694, OMIM 611560.

Allele frequency attached by ClinVar (database versions not stated): 1000 Genomes Project 30x 0.00187; 1000 Genomes Project 0.00220; TOPMed 0.00380; gnomAD 0.00499 and 0.00524; gnomAD exomes 0.00544 and 0.00653; ExAC 0.00554; ESP Exome Variant Server 0.00600.
gnomAD v4.1: 10,207 of 1,613,756 alleles (0.63%); highest among the groups gnomAD compares: Non-Finnish European, 0.71%; 58 homozygotes.

Submissions (12):

CeGaT Center for Human Genetics Tuebingen
Classification: Likely benign. Last evaluated: 2026-04-01. Review status: criteria provided, single submitter. Criteria: CeGaT Center For Human Genetics Tuebingen Variant Classification Criteria Version 2. Collection method: clinical testing. Allele origin: germline. Affected: yes. Observed: 23 variant alleles.
Comment: RPGRIP1L: BP4, BP7, BS2

Labcorp Genetics (formerly Invitae), Labcorp
Classification: Benign for Joubert syndrome; Meckel-Gruber syndrome. Last evaluated: 2026-02-03. Review status: criteria provided, single submitter. Criteria: Invitae Variant Classification Sherloc (09022015). Collection method: clinical testing. Allele origin: germline.

Blueprint Genetics
Classification: Likely benign. Last evaluated: 2024-11-21. Review status: criteria provided, single submitter. Criteria: ACMG Guidelines, 2015. Collection method: clinical testing. Allele origin: germline.

Mayo Clinic Laboratories, Mayo Clinic
Classification: Benign. Last evaluated: 2024-01-03. Review status: criteria provided, single submitter. Criteria: ACMG Guidelines, 2015. Collection method: clinical testing. Allele origin: germline. Observed: 9 variant alleles.
Comment: BS1, BS2, BP4, BP7

Illumina Laboratory Services, Illumina
Classification: Uncertain significance for Meckel syndrome, type 5. Last evaluated: 2018-01-13. Review status: criteria provided, single submitter. Criteria: ICSL Variant Classification Criteria 13 December 2019. Collection method: clinical testing. Allele origin: germline.

Illumina Laboratory Services, Illumina
Classification: Likely benign for Nephronophthisis 8. Last evaluated: 2018-01-13. Review status: criteria provided, single submitter. Criteria: ICSL Variant Classification Criteria 13 December 2019. Collection method: clinical testing. Allele origin: germline.
Comment: This variant was observed in the ICSL laboratory as part of a predisposition screen in an ostensibly healthy population. It had not been previously curated by ICSL or reported in the Human Gene Mutation Database (HGMD: prior to June 1st, 2018), and was therefore a candidate for classification through an automated scoring system. Utilizing variant allele frequency, disease prevalence and penetrance estimates, and inheritance mode, an automated score was calculated to assess if this variant is too frequent to cause the disease. Based on the score and internal cut-off values, a variant classified as likely benign is not then subjected to further curation. The score for this variant resulted in a classification of likely benign for this disease.

Illumina Laboratory Services, Illumina
Classification: Likely benign for Joubert syndrome 7. Last evaluated: 2018-01-13. Review status: criteria provided, single submitter. Criteria: ICSL Variant Classification Criteria 13 December 2019. Collection method: clinical testing. Allele origin: germline.
Comment: the same text as in the submission from Illumina Laboratory Services, Illumina above.

GeneDx
Classification: Benign. Last evaluated: 2016-08-11. Review status: criteria provided, single submitter. Criteria: GeneDx Variant Classification (06012015). Collection method: clinical testing. Allele origin: germline. Affected: yes.
Comment: This variant is considered likely benign or benign based on one or more of the following criteria: it is a conservative change, it occurs at a poorly conserved position in the protein, it is predicted to be benign by multiple in silico algorithms, and/or has population frequency not consistent with disease.

Genetic Services Laboratory, University of Chicago
Classification: Benign. Last evaluated: 2015-02-23. Review status: criteria provided, single submitter. Criteria: ACMG Guidelines, 2015. Collection method: clinical testing. Allele origin: germline.

Eurofins Ntd Llc (ga)
Classification: Benign. Last evaluated: 2013-11-20. Review status: criteria provided, single submitter. Criteria: EGL Classification Definitions 2015. Collection method: clinical testing. Allele origin: germline. Observed: 2 variant alleles, 2 heterozygotes.

Natera, Inc.
Classification: Benign for Joubert syndrome. Last evaluated: 2020-09-16. Review status: no assertion criteria provided. Collection method: clinical testing. Allele origin: germline. Not counted in ClinVar's aggregate classification.

PreventionGenetics, part of Exact Sciences
Classification: Benign for RPGRIP1L-related condition. Last evaluated: 2019-07-17. Review status: no assertion criteria provided. Collection method: clinical testing. Allele origin: germline. Not counted in ClinVar's aggregate classification.
Comment: This variant is classified as benign based on ACMG/AMP sequence variant interpretation guidelines (Richards et al. 2015 PMID: 25741868, with internal and published modifications).